The following is an entry in ClinVar:

NM_001029883.3(PCARE):c.2478C>A (p.Asn826Lys)

Gene: PCARE (photoreceptor cilium actin regulator; minus strand). Cytogenetic location: 2p23.2.
Variant type: single nucleotide variant.
Coding change: c.2478C>A on transcript NM_001029883.3 (MANE Select); coding-DNA position 2478, C replaced by A.
Protein change: p.Asn826Lys; replaces asparagine 826 with lysine.
Molecular consequence: missense variant.
Genome position (GRCh38, 1-based): chr2:29,071,784, G>T on the plus strand (C>A on the coding strand, the complement: PCARE is on the minus strand). VCF-style: chr2-29071784-G-T. GRCh37 (hg19) VCF-style: chr2-29294650-G-T.
Other names: short protein forms N826K.
Identifiers: ClinVar variation 1902728 (VCV001902728.5), dbSNP rs1301793493, ClinGen allele CA346477443.

ClinVar aggregate classification (germline): Uncertain significance (1 of 4 stars; one submission).

gnomAD v4.1: 4 of 1,613,554 alleles (0.00025%); highest among the groups gnomAD compares: Non-Finnish European, 0.00034%; no homozygotes.

Submission:

Labcorp Genetics (formerly Invitae), Labcorp
Classification: Uncertain significance. Last evaluated: 2022-02-19. Review status: criteria provided, single submitter. Criteria: Invitae Variant Classification Sherloc (09022015). Collection method: clinical testing. Allele origin: germline.
Comment: In summary, the available evidence is currently insufficient to determine the role of this variant in disease. Therefore, it has been classified as a Variant of Uncertain Significance. Algorithms developed to predict the effect of missense changes on protein structure and function are either unavailable or do not agree on the potential impact of this missense change (SIFT: "Deleterious"; PolyPhen-2: "Benign"; Align-GVGD: "Class C35"). This variant has not been reported in the literature in individuals affected with PCARE-related conditions. This variant is not present in population databases (gnomAD no frequency). This sequence change replaces asparagine, which is neutral and polar, with lysine, which is basic and polar, at codon 826 of the PCARE protein (p.Asn826Lys).